The following is an entry in ClinVar:

ClinVar aggregate classification (germline): Benign/Likely benign. Review status: criteria provided, multiple submitters, no conflicts (2 of 4 stars). 10 submissions from 9 submitters: Benign (9); Likely benign (1). Last evaluated 2026-09-01.

Conditions:
Amyotrophic lateral sclerosis type 12 (ALS12). Also called: AMYOTROPHIC LATERAL SCLEROSIS 12 WITH OR WITHOUT FRONTOTEMPORAL DEMENTIA. Identifiers: Orphanet 803, MedGen C3150692, MONDO:0013264, OMIM 613435.
Primary open angle glaucoma (POAG). Also called: OPTN-related open angle glaucoma. Identifiers: MedGen C0339573, MONDO:0100553, OMIM 137760.
Glaucoma 1, open angle, E. Identifiers: MedGen C1842026, MONDO:0007665.
Inborn genetic diseases. Identifiers: MedGen C0950123, MeSH D030342.

Allele frequency attached by ClinVar (database versions not stated): 1000 Genomes Project 0.00280; 1000 Genomes Project 30x 0.00281; TOPMed 0.00652; gnomAD 0.00715 and 0.00729; ExAC 0.00719; ESP Exome Variant Server 0.00777; gnomAD exomes 0.01035.
gnomAD v4.1: 16,143 of 1,613,908 alleles (1%); highest among the groups gnomAD compares: Non-Finnish European, 1.2%; 91 homozygotes.

Submissions (10):

CeGaT Center for Human Genetics Tuebingen
Classification: Benign. Last evaluated: 2026-09-01. Review status: criteria provided, single submitter. Criteria: CeGaT Center For Human Genetics Tuebingen Variant Classification Criteria Version 2. Collection method: clinical testing. Allele origin: germline. Affected: yes. Observed: 40 variant alleles.
Comment: OPTN: BP4, BP7, BS1, BS2

Labcorp Genetics (formerly Invitae), Labcorp
Classification: Benign for Primary open angle glaucoma; Glaucoma 1, open angle, E; Amyotrophic lateral sclerosis type 12. Last evaluated: 2026-02-02. Review status: criteria provided, single submitter. Criteria: Invitae Variant Classification Sherloc (09022015). Collection method: clinical testing. Allele origin: germline.

Mayo Clinic Laboratories, Mayo Clinic
Classification: Benign. Last evaluated: 2021-02-22. Review status: criteria provided, single submitter. Criteria: ACMG Guidelines, 2015. Collection method: clinical testing. Allele origin: germline. Observed: 32 variant alleles.

GeneDx
Classification: Benign. Last evaluated: 2019-11-13. Review status: criteria provided, single submitter. Criteria: GeneDx Variant Classification Process June 2021. Collection method: clinical testing. Allele origin: germline. Affected: yes.

Ambry Genetics
Classification: Likely benign for Inborn genetic diseases. Last evaluated: 2019-07-11. Review status: criteria provided, single submitter. Criteria: Ambry Variant Classification Scheme 2023. Collection method: clinical testing. Allele origin: germline.

Athena Diagnostics
Classification: Benign. Last evaluated: 2018-06-28. Review status: criteria provided, single submitter. Criteria: Athena Diagnostics Criteria. Collection method: clinical testing. Allele origin: germline.

Illumina Laboratory Services, Illumina
Classification: Benign for Primary open angle glaucoma. Last evaluated: 2018-01-12. Review status: criteria provided, single submitter. Criteria: ICSL Variant Classification Criteria 13 December 2019. Collection method: clinical testing. Allele origin: germline.
Comment: This variant was observed in the ICSL laboratory as part of a predisposition screen in an ostensibly healthy population. It had not been previously curated by ICSL or reported in the Human Gene Mutation Database (HGMD: prior to June 1st, 2018), and was therefore a candidate for classification through an automated scoring system. Utilizing variant allele frequency, disease prevalence and penetrance estimates, and inheritance mode, an automated score was calculated to assess if this variant is too frequent to cause the disease. Based on the score and internal cut-off values, a variant classified as benign is not then subjected to further curation. The score for this variant resulted in a classification of benign for this disease.

Illumina Laboratory Services, Illumina
Classification: Benign for Amyotrophic lateral sclerosis type 12. Last evaluated: 2018-01-12. Review status: criteria provided, single submitter. Criteria: ICSL Variant Classification Criteria 13 December 2019. Collection method: clinical testing. Allele origin: germline.
Comment: the same text as in the submission from Illumina Laboratory Services, Illumina above.

Eurofins Ntd Llc (ga)
Classification: Benign. Last evaluated: 2013-09-10. Review status: criteria provided, single submitter. Criteria: EGL Classification Definitions 2015. Collection method: clinical testing. Allele origin: germline. Observed: 2 variant alleles, 2 heterozygotes.

Breakthrough Genomics
Classification: Benign. Review status: criteria provided, single submitter. Criteria: ACMG Guidelines, 2015. Collection method: not provided. Allele origin: germline. Inheritance: Autosomal recessive inheritance. Affected: yes.

Literature cited by the submitters: PubMed 11834836 (cited by Athena Diagnostics); PubMed 16358725 (cited by Athena Diagnostics); PubMed 17615537 (cited by Athena Diagnostics); PubMed 17293779 (cited by Athena Diagnostics); PubMed 21613650 (cited by Athena Diagnostics); PubMed 15326130 (cited by Athena Diagnostics).

NM_001008212.2(OPTN):c.123G>A (p.Leu41=)

Genes: OPTN (optineurin; plus strand), LOC108903148 (10p13 OPTN distal Alu-mediated recombination region; plus strand). Cytogenetic location: 10p13.
Variant type: single nucleotide variant.
Coding change: c.123G>A on transcript NM_001008212.2 (MANE Select); coding-DNA position 123, G replaced by A.
Protein change: p.Leu41=; no amino-acid change (leucine 41 retained).
Molecular consequence: synonymous variant.
Genome position (GRCh38, 1-based): chr10:13,109,245, G>A. VCF-style: chr10-13109245-G-A. GRCh37 (hg19) VCF-style: chr10-13151245-G-A.
Other names: p.Leu41=; c.123G>A, p.Leu41= (NM_001008211.1, NM_001008213.1, NM_021980.4).
Identifiers: ClinVar variation 96023 (VCV000096023.57), dbSNP rs11591687, ClinGen allele CA149166.
Genomic context (GRCh38, chr10:13,109,245, plus strand): 5'-AAATGGACCCCCCCACCTGGCCCACCCAAACCTGGACACGTTTACCCCGGAGGAGCTGCT[G>A]CAGCAGATGAAAGAGCTCCTGACCGAGAACCACCAGCTGAAAGGTGAGCAGGGCTGGCCC-3'
Protein context (NP_001008213.1, residues 31-51): NLDTFTPEEL[Leu41=]QQMKELLTEN